The following is an entry in ClinVar:

NM_007294.4(BRCA1):c.3961T>A (p.Ser1321Thr)

Genes: BRCA1 (BRCA1 DNA repair associated; minus strand), LOC126862571 (BRD4-independent group 4 enhancer GRCh37_chr17:41243136-41244335; plus strand). Cytogenetic location: 17q21.31.
Variant type: single nucleotide variant.
Coding change: c.3961T>A on transcript NM_007294.4 (MANE Select); coding-DNA position 3961, T replaced by A.
Protein change: p.Ser1321Thr; replaces serine 1321 with threonine.
Molecular consequence: missense variant. On other transcripts: intron variant (135).
Genome position (GRCh38, 1-based): chr17:43,091,570, A>T on the plus strand (T>A on the coding strand, the complement: BRCA1 is on the minus strand). VCF-style: chr17-43091570-A-T. GRCh37 (hg19) VCF-style: chr17-41243587-A-T.
Other names: c.3838T>A, p.Ser1280Thr (NM_001407678.1, NM_001407683.1, NM_001407681.1 and 19 more transcripts); c.3961T>A, p.Ser1321Thr (NM_001407684.1, NM_001407581.1, NM_001407582.1 and 30 more transcripts); c.3748T>A, p.Ser1250Thr (NM_001407571.1, NM_001407853.1, NM_001407894.1 and 9 more transcripts); c.3958T>A, p.Ser1320Thr (NM_001407587.1, NM_001407590.1, NM_001407591.1 and 22 more transcripts); c.3952T>A, p.Ser1318Thr (NM_001407646.1, NM_001407647.1); c.3835T>A, p.Ser1279Thr (NM_001407649.1, NM_001407670.1, NM_001407671.1 and 11 more transcripts); c.3883T>A, p.Ser1295Thr (NM_001407653.1, NM_001407654.1, NM_001407655.1 and 4 more transcripts); c.3880T>A, p.Ser1294Thr (NM_001407659.1, NM_001407660.1, NM_001407661.1 and 1 more transcripts); and 41 more; short protein forms S1025T, S1153T, S1251T, S1273T, S1295T, S1321T, S1193T, S1233T.
Identifiers: ClinVar variation 2565333 (VCV002565333.3), dbSNP rs2154274528, ClinGen allele CA10594043.

ClinVar aggregate classification (germline): Uncertain significance. Review status: criteria provided, multiple submitters, no conflicts (2 of 4 stars). 2 submissions from 2 submitters: Uncertain significance (2). Last evaluated 2025-06-03.

Conditions:
Hereditary cancer-predisposing syndrome. Also called: Neoplastic Syndromes, Hereditary; Hereditary Cancer Syndrome; Hereditary neoplastic syndrome; Tumor predisposition. Identifiers: Orphanet 140162, MedGen C0027672, MeSH D009386, MONDO:0015356.

Submissions (2):

Color Diagnostics, LLC DBA Color Health
Classification: Uncertain significance for Hereditary cancer-predisposing syndrome. Last evaluated: 2025-06-03. Review status: criteria provided, single submitter. Criteria: ACMG Guidelines, 2015. Collection method: clinical testing. Allele origin: germline.
Comment: This missense variant replaces serine with threonine at codon 1321 of the BRCA1 protein. Computational prediction suggests that this variant may not impact protein structure and function. To our knowledge, functional studies have not been reported for this variant. This variant has not been reported in individuals affected with BRCA1-related disorders in the literature. This variant has not been identified in the general population by the Genome Aggregation Database (gnomAD). The available evidence is insufficient to determine the role of this variant in disease conclusively. Therefore, this variant is classified as a Variant of Uncertain Significance.

Ambry Genetics
Classification: Uncertain significance for Hereditary cancer-predisposing syndrome. Last evaluated: 2023-03-17. Review status: criteria provided, single submitter. Criteria: Ambry Variant Classification Scheme 2023. Collection method: clinical testing. Allele origin: germline.
Comment: The p.S1321T variant (also known as c.3961T>A), located in coding exon 9 of the BRCA1 gene, results from a T to A substitution at nucleotide position 3961. The serine at codon 1321 is replaced by threonine, an amino acid with similar properties. This amino acid position is conserved. In addition, the in silico prediction for this alteration is inconclusive. Since supporting evidence is limited at this time, the clinical significance of this alteration remains unclear.